The following is an entry in ClinVar:

NM_020987.5(ANK3):c.2042C>G (p.Ser681Trp)

Gene: ANK3 (ankyrin 3; minus strand). Cytogenetic location: 10q21.2.
Variant type: single nucleotide variant.
Coding change: c.2042C>G on transcript NM_020987.5 (MANE Select); coding-DNA position 2042, C replaced by G.
Protein change: p.Ser681Trp; replaces serine 681 with tryptophan.
Molecular consequence: missense variant.
Genome position (GRCh38, 1-based): chr10:60,186,758, G>C on the plus strand (C>G on the coding strand, the complement: ANK3 is on the minus strand). VCF-style: chr10-60186758-G-C. GRCh37 (hg19) VCF-style: chr10-61946516-G-C.
Other names: c.2024C>G, p.Ser675Trp (NM_001204403.2); c.1991C>G, p.Ser664Trp (NM_001204404.2); c.2042C>G, p.Ser681Trp (NM_001320874.2); short protein forms S664W, S675W, S681W.
Identifiers: ClinVar variation 4071673 (VCV004071673.1).

ClinVar aggregate classification (germline): Uncertain significance (1 of 4 stars; one submission).

Submission:

GeneDx
Classification: Uncertain significance. Last evaluated: 2025-01-27. Review status: criteria provided, single submitter. Criteria: GeneDx Variant Classification Process June 2021. Collection method: clinical testing. Allele origin: germline. Affected: yes.
Comment: Not observed at significant frequency in large population cohorts (gnomAD); In silico analysis supports that this missense variant has a deleterious effect on protein structure/function; Has not been previously published as pathogenic or benign to our knowledge